The following is an entry in ClinVar:

NM_001482.3(GATM):c.297A>G (p.Thr99=)

Gene: GATM (glycine amidinotransferase; minus strand). Cytogenetic location: 15q21.1.
Variant type: single nucleotide variant.
Coding change: c.297A>G on transcript NM_001482.3 (MANE Select); coding-DNA position 297, A replaced by G.
Protein change: p.Thr99=; no amino-acid change (threonine 99 retained).
Molecular consequence: synonymous variant. On other transcripts: 5 prime UTR variant (1).
Genome position (GRCh38, 1-based): chr15:45,369,513, T>C on the plus strand (A>G on the coding strand, the complement: GATM is on the minus strand). VCF-style: chr15-45369513-T-C. GRCh37 (hg19) VCF-style: chr15-45661711-T-C.
Other names: NM_001482.3(GATM):c.297A>G; p.Thr99=; c.-91A>G (NM_001321015.2).
Identifiers: ClinVar variation 853965 (VCV000853965.13), dbSNP rs1445305823, ClinGen allele CA490236561.
Genomic context (GRCh38, chr15:45,369,513, plus strand): 5'-ATGATCTTTGGGAAAATAATGCCCTCCTTGCTTCTGGTAAAATGGCCAGTACTTTTCATA[T>C]GTGTTGGCCTGGAAGTAGAAGCAAATAAACACAATACTTACAGGAGAAAAATACAGCTCA-3'
Protein context (NP_001473.1, residues 89-109): PPFTIEVKAN[Thr99=]YEKYWPFYQK

ClinVar aggregate classification (germline): Uncertain significance. Review status: reviewed by expert panel (3 of 4 stars). 4 submissions from 4 submitters: Uncertain significance (1). 3 of the submissions do not count toward it. Last evaluated 2026-04-20.

Conditions:
Fanconi renotubular syndrome 1. Also called: LUDER-SHELDON SYNDROME; Toni-Debre-Fanconi syndrome; Neonatal De Toni-Debre-Fanconi syndrome; De Toni-Fanconi syndrome; FRTS1. Identifiers: MedGen C4551503, MONDO:0024525, OMIM 134600.
Arginine:glycine amidinotransferase deficiency (CCDS3). Also called: Creatine deficiency syndrome due to AGAT deficiency; GATM deficiency; AGAT deficiency; Cerebral creatine deficiency syndrome 3; L-Arginine:Glycine Amidinotransferase (AGAT) Deficiency; L-Arginine:Glycine Amidinotransferase Deficiency. Identifiers: Orphanet 35704, MedGen C2675179, MONDO:0012996, OMIM 612718.

Allele frequency attached by ClinVar (database versions not stated): gnomAD exomes below 0.00001.
gnomAD v4.1: 2 of 1,613,926 alleles (0.00012%); highest among the groups gnomAD compares: South Asian, 0.0022%; no homozygotes.

Submissions (4):

ClinGen Cerebral Creatine Deficiency Syndromes Variant Curation Expert Panel, ClinGen
Classification: Uncertain significance for Arginine:glycine amidinotransferase deficiency. Last evaluated: 2026-04-20. Review status: reviewed by expert panel. Criteria: ClinGen CCDS ACMG Specifications GATM V2.0.0. Collection method: curation. Allele origin: germline. Inheritance: Autosomal recessive inheritance.
Comment: The NM_001482.3:c.297A>G variant in GATM is a synonymous (silent) variant (p.Thr99=) that is not predicted by SpliceAI to impact splicing. In addition, it occurs at a nucleotide that is not conserved as shown by phyloP (score -0.323) (BP4, BP7). To our knowledge, this variant has not been reported in the literature and results of functional studies are unavailable. The highest population minor allele frequency in gnomAD v4.1.0. is 0.00002196 (2/91058 alleles) in the South Asian population, which is lower than the ClinGen CCDS VCEP’s threshold for PM2_Supporting (<0.000055), meeting this criterion (PM2_Supporting).There is a ClinVar entry for this variant (Variation ID: 853965). In summary, this variant meets the criteria to be classified as a variant of uncertain significance for AGAT deficiency based on the GATM-specific ACMG/AMP criteria applied, as specified by the ClinGen Cerebral Creatine Deficiency Syndromes Variant Curation Expert Panel (Specifications Version 2.0.0): PM2_Supporting, BP4, BP7. (Classification approved by the ClinGen Cerebral Creatine Deficiency Syndromes Variant Curation Expert Panel on April 20, 2026).

Labcorp Genetics (formerly Invitae), Labcorp
Classification: Likely benign for Arginine:glycine amidinotransferase deficiency. Last evaluated: 2025-03-13. Review status: criteria provided, single submitter. Criteria: Invitae Variant Classification Sherloc (09022015). Collection method: clinical testing. Allele origin: germline. Not counted in ClinVar's aggregate classification.

Fulgent Genetics
Classification: Uncertain significance for Fanconi renotubular syndrome 1; Arginine:glycine amidinotransferase deficiency. Last evaluated: 2024-01-02. Review status: criteria provided, single submitter. Criteria: ACMG Guidelines, 2015. Collection method: clinical testing. Allele origin: germline. Not counted in ClinVar's aggregate classification.

New York Genome Center
Classification: Uncertain significance for Arginine:glycine amidinotransferase deficiency. Last evaluated: 2020-06-30. Review status: criteria provided, single submitter. Criteria: NYGC Assertion Criteria 2020. Collection method: clinical testing. Allele origin: germline. Observed: 1 heterozygote. Study: CSER-NYCKidSeq. Not counted in ClinVar's aggregate classification.